The following is an entry in ClinVar:

NM_001042492.3(NF1):c.1463G>C (p.Ser488Thr)

Gene: NF1 (neurofibromin 1; plus strand). Cytogenetic location: 17q11.2.
Variant type: single nucleotide variant.
Coding change: c.1463G>C on transcript NM_001042492.3 (MANE Select); coding-DNA position 1463, G replaced by C.
Protein change: p.Ser488Thr; replaces serine 488 with threonine.
Molecular consequence: missense variant.
Genome position (GRCh38, 1-based): chr17:31,214,521, G>C. VCF-style: chr17-31214521-G-C. GRCh37 (hg19) VCF-style: chr17-29541539-G-C.
Other names: c.1463G>C, p.Ser488Thr (NM_000267.4, NM_001128147.3); short protein forms S488T.
Identifiers: ClinVar variation 3348162 (VCV003348162.2).
Genomic context (GRCh38, chr17:31,214,521, plus strand): 5'-TTAAAGAAAAAGTAACAAGCCTTAAATTTAAAGAAAAACCTACAGACCTGGAGACAAGAA[G>C]CTATAAGTATCTTCTCTTGTCCATGGTGAAACTAATTCATGCAGATCCAAAGCTCTTGCT-3'
Protein context (NP_001035957.1, residues 478-498): KEKPTDLETR[Ser488Thr]YKYLLLSMVK

ClinVar aggregate classification (germline): Uncertain significance. Review status: criteria provided, single submitter (1 of 4 stars). 2 submissions from 2 submitters: Uncertain significance (1). 1 of the submissions does not count toward it. Last evaluated 2025-11-12.

Conditions:
Neurofibromatosis, type 1 (NF1). Also called: VON RECKLINGHAUSEN DISEASE; Peripheral type neurofibromatosis; Neurofibromatosis, type I; NEUROFIBROMATOSIS, TYPE I, SOMATIC. Identifiers: Orphanet 636, MedGen C0027831, MONDO:0018975, OMIM 162200. Disease mechanism: loss of function.
NF1-related disorder. Also called: NF1-related condition. Identifiers: MedGen CN379171.

Submissions (2):

Labcorp Genetics (formerly Invitae), Labcorp
Classification: Uncertain significance for Neurofibromatosis, type 1. Last evaluated: 2025-11-12. Review status: criteria provided, single submitter. Criteria: Invitae Variant Classification Sherloc (09022015). Collection method: clinical testing. Allele origin: germline.
Comment: This sequence change replaces serine, which is neutral and polar, with threonine, which is neutral and polar, at codon 488 of the NF1 protein (p.Ser488Thr). This variant is not present in population databases (gnomAD no frequency). This variant has not been reported in the literature in individuals affected with NF1-related conditions. ClinVar contains an entry for this variant (Variation ID: 3348162). Invitae Evidence Modeling of protein sequence and biophysical properties (such as structural, functional, and spatial information, amino acid conservation, physicochemical variation, residue mobility, and thermodynamic stability) has been performed for this missense variant. However, the output from this modeling did not meet the statistical confidence thresholds required to predict the impact of this variant on NF1 protein function. In summary, the available evidence is currently insufficient to determine the role of this variant in disease. Therefore, it has been classified as a Variant of Uncertain Significance.

PreventionGenetics, part of Exact Sciences
Classification: Uncertain significance for NF1-related condition. Last evaluated: 2024-04-04. Review status: no assertion criteria provided. Collection method: clinical testing. Allele origin: germline. Not counted in ClinVar's aggregate classification.
Comment: The NF1 c.1463G>C variant is predicted to result in the amino acid substitution p.Ser488Thr. To our knowledge, this variant has not been reported in the literature or in a large population database, indicating this variant is rare. At this time, the clinical significance of this variant is uncertain due to the absence of conclusive functional and genetic evidence.